The following is an entry in ClinVar:

NM_000550.3(TYRP1):c.382A>G (p.Ile128Val)

Gene: TYRP1 (tyrosinase related protein 1; plus strand). Cytogenetic location: 9p23.
Variant type: single nucleotide variant.
Coding change: c.382A>G on transcript NM_000550.3 (MANE Select); coding-DNA position 382, A replaced by G.
Protein change: p.Ile128Val; replaces isoleucine 128 with valine.
Molecular consequence: missense variant.
Genome position (GRCh38, 1-based): chr9:12,694,378, A>G. VCF-style: chr9-12694378-A-G. GRCh37 (hg19) VCF-style: chr9-12694378-A-G.
Other names: c.382A>G (NM_000550.2); short protein forms I128V.
Identifiers: ClinVar variation 1525863 (VCV001525863.4), dbSNP rs770988738, ClinGen allele CA4985183.

ClinVar aggregate classification (germline): Conflicting classifications of pathogenicity. Review status: criteria provided, conflicting classifications (1 of 4 stars). 2 submissions from 2 submitters: Uncertain significance (1); Likely benign (1). Last evaluated 2025-08-20.

Conditions:
Inborn genetic diseases. Identifiers: MedGen C0950123, MeSH D030342.

gnomAD v4.1: 5 of 1,613,922 alleles (0.00031%); highest among the groups gnomAD compares: Admixed American, 0.005%; no homozygotes.

Submissions (2):

Ambry Genetics
Classification: Likely benign for Inborn genetic diseases. Last evaluated: 2025-08-20. Review status: criteria provided, single submitter. Criteria: Ambry Variant Classification Scheme 2023. Collection method: clinical testing. Allele origin: germline.

Labcorp Genetics (formerly Invitae), Labcorp
Classification: Uncertain significance. Last evaluated: 2022-07-12. Review status: criteria provided, single submitter. Criteria: Invitae Variant Classification Sherloc (09022015). Collection method: clinical testing. Allele origin: germline.
Comment: This sequence change replaces isoleucine, which is neutral and non-polar, with valine, which is neutral and non-polar, at codon 128 of the TYRP1 protein (p.Ile128Val). This variant is present in population databases (rs770988738, gnomAD 0.003%). This variant has not been reported in the literature in individuals affected with TYRP1-related conditions. ClinVar contains an entry for this variant (Variation ID: 1525863). Algorithms developed to predict the effect of missense changes on protein structure and function output the following: SIFT: "Tolerated"; PolyPhen-2: "Benign"; Align-GVGD: "Class C0". The valine amino acid residue is found in multiple mammalian species, which suggests that this missense change does not adversely affect protein function. Algorithms developed to predict the effect of sequence changes on RNA splicing suggest that this variant may create or strengthen a splice site. In summary, the available evidence is currently insufficient to determine the role of this variant in disease. Therefore, it has been classified as a Variant of Uncertain Significance.